The following is an entry in ClinVar:

ClinVar aggregate classification (germline): Pathogenic. Review status: criteria provided, multiple submitters, no conflicts (2 of 4 stars). 7 submissions from 7 submitters: Pathogenic (6). 1 of the submissions does not count toward it. Last evaluated 2026-08-06.

Conditions:
Leigh syndrome (NULS). Also called: Leigh's syndrome; Leigh's necrotizing encephalopathy; Leigh's disease; Leigh Disease; Subacute necrotizing encephalopathy; Necrotizing encephalopathy infantile subacute of Leigh. Identifiers: Orphanet 506, MedGen C2931891, MONDO:0009723, OMIM 256000.
Mitochondrial complex IV deficiency, nuclear type 1 (MC4DN1). Also called: Mitochondrial complex IV deficiency; COX DEFICIENCY; Complex 4 mitochondrial respiratory chain deficiency; Deficiency of mitochondrial respiratory chain complex4; Complex IV deficiency. Identifiers: MedGen C5435656, MONDO:0700250, OMIM 220110. Disease mechanism: loss of function.

gnomAD v4.1: 7 of 1,611,916 alleles (0.00043%); highest among the groups gnomAD compares: South Asian, 0.0033%; no homozygotes.

Submissions (7):

OLLIN Analises Genomicas, OLLIN
Classification: Pathogenic for Mitochondrial complex IV deficiency, nuclear type 1. Last evaluated: 2026-08-06. Review status: criteria provided, single submitter. Criteria: ACMG Guidelines 2015 PMID 25741868. Collection method: clinical testing. Allele origin: germline. Inheritance: Autosomal recessive inheritance.
Comment: This variant, located at the canonical splicing site (splice donor), has been reported in ClinVar (accession VCV000599351.15), in gnomAD with an allele frequency of 0.00043%, and in the scientific literature, in compound heterozygosity, in individuals with SURF1 related disorders (PMID: 23829769, 22488715). This variant is predicted to disrupt a canonical splice site, potentially leading to exon skipping, mRNA degradation via nonsense-mediated decay (NMD), or production of a truncated protein. Another pathogenic variant has been reported to result in the same amino acid substitution. According to the currently available evidence, this variant has been classified as pathogenic (PVS1_S, PS1, PM2_P, PM3).

GeneDx
Classification: Pathogenic. Last evaluated: 2025-02-25. Review status: criteria provided, single submitter. Criteria: GeneDx Variant Classification Process June 2021. Collection method: clinical testing. Allele origin: germline. Affected: yes.
Comment: Canonical splice site variant predicted to result in a null allele in a gene for which loss of function is a known mechanism of disease; Not observed at significant frequency in large population cohorts (gnomAD); This variant is associated with the following publications: (PMID: 22488715, 23829769, 35693685, 34220073)

Labcorp Genetics (formerly Invitae), Labcorp
Classification: Pathogenic for Leigh syndrome. Last evaluated: 2024-09-06. Review status: criteria provided, single submitter. Criteria: Invitae Variant Classification Sherloc (09022015). Collection method: clinical testing. Allele origin: germline.
Comment: This sequence change affects a donor splice site in intron 8 of the SURF1 gene. While this variant is not anticipated to result in nonsense mediated decay, it likely alters RNA splicing and results in a disrupted protein product. This variant is not present in population databases (gnomAD no frequency). Disruption of this splice site has been observed in individual(s) with clinical features of mitochondrial complex IV deficiency (PMID: 22488715, 23829769, 29933018). ClinVar contains an entry for this variant (Variation ID: 599351). Variants that disrupt the consensus splice site are a relatively common cause of aberrant splicing (PMID: 17576681, 9536098). Algorithms developed to predict the effect of sequence changes on RNA splicing suggest that this variant may disrupt the consensus splice site. This variant disrupts a region of the SURF1 protein in which other variant(s) (p.Ser282Cysfs*9) have been determined to be pathogenic (PMID: 9837813, 16326995, 18583168, 22488715, 23829769). This suggests that this is a clinically significant region of the protein, and that variants that disrupt it are likely to be disease-causing. For these reasons, this variant has been classified as Pathogenic.

Genetics and Molecular Pathology, SA Pathology
Classification: Pathogenic for Mitochondrial complex IV deficiency, nuclear type 1. Last evaluated: 2021-03-04. Review status: criteria provided, single submitter. Criteria: ACMG Guidelines, 2015. Collection method: clinical testing. Allele origin: germline. Inheritance: Autosomal recessive inheritance. Affected: yes.

Revvity Omics, Revvity
Classification: Pathogenic. Last evaluated: 2019-09-12. Review status: criteria provided, single submitter. Criteria: ACMG Guidelines, 2015. Collection method: clinical testing. Allele origin: germline.

Women's Health and Genetics/Laboratory Corporation of America, LabCorp
Classification: Pathogenic. Last evaluated: 2018-08-06. Review status: criteria provided, single submitter. Criteria: LabCorp Variant Classification Summary - May 2015. Collection method: clinical testing. Allele origin: germline.
Comment: Variant summary: SURF1 c.833+1G>A is located in a canonical splice-site and is predicted to affect mRNA splicing resulting in a significantly altered protein due to either exon skipping, shortening, or inclusion of intronic material. Several computational tools predict a significant impact on normal splicing: five predict the variant abolishes a 5 prime splicing donor site. However, these predictions have yet to be confirmed by functional studies. The variant was absent in 241660 control chromosomes (gnomAD). The variant, c.833+1G>A has been reported in the literature in 2 homozygous individuals affected with Leigh Syndrome (Lee 2012, Wedatilake 2013). These data indicate that the variant is likely to be associated with disease. One of these publications also reported experimental evidence, demonstrating 40% of normal cytochrome c oxidase (COX) activity in fibroblasts, and the absence of COX in skeletal muscles (Wedatilake 2013). No clinical diagnostic laboratories have submitted clinical-significance assessments for this variant to ClinVar after 2014. Based on the evidence outlined above, the variant was classified as pathogenic.

Foundation for Research in Genetics and Endocrinology, FRIGE's Institute of Human Genetics
Classification: Pathogenic for Leigh syndrome. Last evaluated: 2018-12-19. Review status: no assertion criteria provided. Collection method: clinical testing. Allele origin: germline. Inheritance: Autosomal recessive inheritance. Affected: yes. Observed: 1 homozygote. Not counted in ClinVar's aggregate classification.
Comment: The observed variant NG_008477.1:g.9447G>A has not been reported in the 1000 genomes and ExAC databases. The in silico prediction of this variant is damaging by MutationTaster2.

Literature cited by the submitters: PubMed 23829769 (cited by 3 submitters); PubMed 22488715 (cited by 3 submitters); PubMed 29933018 (cited by Labcorp Genetics (formerly Invitae), Labcorp); PubMed 17576681 (cited by Labcorp Genetics (formerly Invitae), Labcorp); PubMed 9536098 (cited by Labcorp Genetics (formerly Invitae), Labcorp); PubMed 9837813 (cited by Labcorp Genetics (formerly Invitae), Labcorp); PubMed 16326995 (cited by Labcorp Genetics (formerly Invitae), Labcorp); PubMed 18583168 (cited by Labcorp Genetics (formerly Invitae), Labcorp).

NM_003172.4(SURF1):c.833+1G>A

Gene: SURF1 (SURF1 cytochrome c oxidase assembly factor; minus strand). Cytogenetic location: 9q34.2.
Variant type: single nucleotide variant.
Coding change: c.833+1G>A on transcript NM_003172.4 (MANE Select); the canonical splice donor site of the intron after coding-DNA position 833, G replaced by A.
Molecular consequence: splice donor variant.
Genome position (GRCh38, 1-based): chr9:133,352,060, C>T on the plus strand (G>A on the coding strand, the complement: SURF1 is on the minus strand). VCF-style: chr9-133352060-C-T. GRCh37 (hg19) VCF-style: chr9-136218915-C-T.
Other names: c.506+1G>A (NM_001280787.1).
Identifiers: ClinVar variation 599351 (VCV000599351.16), dbSNP rs782609482, ClinGen allele CA375693425.